The following is an entry in ClinVar:

NM_002291.3(LAMB1):c.3392-2176G>A

Gene: LAMB1 (laminin subunit beta 1; minus strand). Cytogenetic location: 7q31.1.
Variant type: single nucleotide variant.
Coding change: c.3392-2176G>A on transcript NM_002291.3 (MANE Select); 2176 bases into the intron before coding-DNA position 3392, G replaced by A.
Molecular consequence: intron variant.
Genome position (GRCh38, 1-based): chr7:107,942,534, C>T on the plus strand (G>A on the coding strand, the complement: LAMB1 is on the minus strand). VCF-style: chr7-107942534-C-T. GRCh37 (hg19) VCF-style: chr7-107582979-C-T.
Identifiers: ClinVar variation 3389477 (VCV003389477.14).

ClinVar aggregate classification (germline): Likely benign (1 of 4 stars; one submission).

Submission:

CeGaT Center for Human Genetics Tuebingen
Classification: Likely benign. Last evaluated: 2024-11-01. Review status: criteria provided, single submitter. Criteria: CeGaT Center For Human Genetics Tuebingen Variant Classification Criteria Version 2. Collection method: clinical testing. Allele origin: germline. Affected: yes. Observed: 1 variant allele.
Comment: LAMB1: PM2:Supporting, BP4, BP7